The following is an entry in ClinVar:

ClinVar aggregate classification (germline): Uncertain significance (1 of 4 stars; one submission).

Conditions:
Episodic ataxia type 2 (EA2). Also called: EPISODIC ATAXIA, NYSTAGMUS-ASSOCIATED; ATAXIA, EPISODIC, WITH NYSTAGMUS; ATAXIA, FAMILIAL PAROXYSMAL; CEREBELLAR ATAXIA, PAROXYSMAL, ACETAZOLAMIDE-RESPONSIVE; CEREBELLOPATHY, HEREDITARY PAROXYSMAL; ACETAZOLAMIDE-RESPONSIVE HEREDITARY PAROXYSMAL CEREBELLAR ATAXIA. Identifiers: Orphanet 97, MedGen C1720416, MONDO:0007163, OMIM 108500.
Developmental and epileptic encephalopathy, 42 (DEE42A). Also called: Epileptic encephalopathy, early infantile, 42; DEVELOPMENTAL AND EPILEPTIC ENCEPHALOPATHY 42A; EPILEPTIC ENCEPHALOPATHY, EARLY INFANTILE, 42A. Identifiers: MedGen C4310716, MONDO:0014917, OMIM 617106.

Submission:

Labcorp Genetics (formerly Invitae), Labcorp
Classification: Uncertain significance for Developmental and epileptic encephalopathy, 42; Episodic ataxia type 2. Last evaluated: 2019-05-08. Review status: criteria provided, single submitter. Criteria: Invitae Variant Classification Sherloc (09022015). Collection method: clinical testing. Allele origin: germline.
Comment: This sequence change replaces glutamic acid with lysine at codon 1024 of the CACNA1A protein (p.Glu1024Lys). The glutamic acid residue is moderately conserved and there is a small physicochemical difference between glutamic acid and lysine. This variant is not present in population databases (ExAC no frequency). This variant has not been reported in the literature in individuals with CACNA1A-related disease. Algorithms developed to predict the effect of missense changes on protein structure and function (SIFT, PolyPhen-2, Align-GVGD) all suggest that this variant is likely to be tolerated, but these predictions have not been confirmed by published functional studies and their clinical significance is uncertain. In summary, the available evidence is currently insufficient to determine the role of this variant in disease. Therefore, it has been classified as a Variant of Uncertain Significance.

NM_001127222.2(CACNA1A):c.3067G>A (p.Glu1023Lys)

Gene: CACNA1A (calcium voltage-gated channel subunit alpha1 A; minus strand). Cytogenetic location: 19p13.13.
Variant type: single nucleotide variant.
Coding change: c.3067G>A on transcript NM_001127222.2 (MANE Select); coding-DNA position 3067, G replaced by A.
Protein change: p.Glu1023Lys; replaces glutamic acid 1023 with lysine.
Molecular consequence: missense variant.
Genome position (GRCh38, 1-based): chr19:13,298,566, C>T on the plus strand (G>A on the coding strand, the complement: CACNA1A is on the minus strand). VCF-style: chr19-13298566-C-T. GRCh37 (hg19) VCF-style: chr19-13409380-C-T.
Other names: c.3079G>A, p.Glu1027Lys (NM_000068.4, NM_023035.3); c.3070G>A, p.Glu1024Lys (NM_001127221.2, NM_001174080.2); short protein forms E1024K, E1023K, E1027K.
Identifiers: ClinVar variation 542822 (VCV000542822.11), dbSNP rs1555755809, ClinGen allele CA404342142.